The following is an entry in ClinVar:

ClinVar aggregate classification (germline): Uncertain significance (1 of 4 stars; one submission).

Submission:

Labcorp Genetics (formerly Invitae), Labcorp
Classification: Uncertain significance. Last evaluated: 2023-06-05. Review status: criteria provided, single submitter. Criteria: Invitae Variant Classification Sherloc (09022015). Collection method: clinical testing. Allele origin: germline.
Comment: In summary, the available evidence is currently insufficient to determine the role of this variant in disease. Therefore, it has been classified as a Variant of Uncertain Significance. Algorithms developed to predict the effect of sequence changes on RNA splicing suggest that this variant may create or strengthen a splice site. This variant has not been reported in the literature in individuals affected with FAR1-related conditions. This variant is not present in population databases (gnomAD no frequency). This sequence change affects codon 425 of the FAR1 mRNA. It is a 'silent' change, meaning that it does not change the encoded amino acid sequence of the FAR1 protein.

NM_032228.6(FAR1):c.1275A>T (p.Val425=)

Gene: FAR1 (fatty acyl-CoA reductase 1; plus strand). Cytogenetic location: 11p15.3.
Variant type: single nucleotide variant.
Coding change: c.1275A>T on transcript NM_032228.6 (MANE Select); coding-DNA position 1275, A replaced by T.
Protein change: p.Val425=; no amino-acid change (valine 425 retained).
Molecular consequence: synonymous variant.
Genome position (GRCh38, 1-based): chr11:13,727,573, A>T. VCF-style: chr11-13727573-A-T. GRCh37 (hg19) VCF-style: chr11-13749120-A-T.
Identifiers: ClinVar variation 2771396 (VCV002771396.3), dbSNP rs2500167878, ClinGen allele CA473228570.